The following is an entry in ClinVar:

ClinVar aggregate classification (germline): Uncertain significance (1 of 4 stars; one submission).

Allele frequency attached by ClinVar (database versions not stated): gnomAD exomes below 0.00001; gnomAD 0.00001; TOPMed 0.00001.
gnomAD v4.1: 3 of 1,613,910 alleles (0.00019%); highest among the groups gnomAD compares: Admixed American, 0.005%; no homozygotes.

Submission:

Labcorp Genetics (formerly Invitae), Labcorp
Classification: Uncertain significance. Last evaluated: 2022-07-05. Review status: criteria provided, single submitter. Criteria: Invitae Variant Classification Sherloc (09022015). Collection method: clinical testing. Allele origin: germline.
Comment: This sequence change replaces glutamic acid, which is acidic and polar, with valine, which is neutral and non-polar, at codon 778 of the TTLL5 protein (p.Glu778Val). This variant is present in population databases (no rsID available, gnomAD 0.003%). This variant has not been reported in the literature in individuals affected with TTLL5-related conditions. ClinVar contains an entry for this variant (Variation ID: 1500308). Algorithms developed to predict the effect of missense changes on protein structure and function are either unavailable or do not agree on the potential impact of this missense change (SIFT: "Tolerated"; PolyPhen-2: "Probably Damaging"; Align-GVGD: "Class C0"). Algorithms developed to predict the effect of sequence changes on RNA splicing suggest that this variant may disrupt the consensus splice site. In summary, the available evidence is currently insufficient to determine the role of this variant in disease. Therefore, it has been classified as a Variant of Uncertain Significance.

NM_015072.5(TTLL5):c.2333A>T (p.Glu778Val)

Gene: TTLL5 (tubulin tyrosine ligase like 5; plus strand). Cytogenetic location: 14q24.3.
Variant type: single nucleotide variant.
Coding change: c.2333A>T on transcript NM_015072.5 (MANE Select); coding-DNA position 2333, A replaced by T.
Protein change: p.Glu778Val; replaces glutamic acid 778 with valine.
Molecular consequence: missense variant.
Genome position (GRCh38, 1-based): chr14:75,776,796, A>T. VCF-style: chr14-75776796-A-T. GRCh37 (hg19) VCF-style: chr14-76243139-A-T.
Other names: short protein forms E778V.
Identifiers: ClinVar variation 1500308 (VCV001500308.8), dbSNP rs1471151107, ClinGen allele CA390469790.
Genomic context (GRCh38, chr14:75,776,796, plus strand): 5'-GCACTGGGTAGGAAACAGAACAAATGGCTGAAAAGAAATCAAAGAAGAAAGTTGAGGAAG[A>T]AGAGGAAGATGGGGTGAATATGGAAAACTTTCAGGAGTTCATCAGACAAGCAAGGTAGTA-3'
Protein context (NP_055887.3, residues 768-788): EKKSKKKVEE[Glu778Val]EEDGVNMENF